The following is an entry in ClinVar:

ClinVar aggregate classification (germline): Uncertain significance (1 of 4 stars; one submission).

Submission:

GeneDx
Classification: Uncertain significance. Last evaluated: 2025-07-26. Review status: criteria provided, single submitter. Criteria: GeneDx Variant Classification Process June 2021. Collection method: clinical testing. Allele origin: germline. Affected: yes.
Comment: Not observed at significant frequency in large population cohorts (gnomAD); In silico analysis supports that this missense variant has a deleterious effect on protein structure/function; Has not been previously published as pathogenic or benign to our knowledge

NM_014994.3(MAPKBP1):c.1403C>T (p.Ser468Phe)

Gene: MAPKBP1 (mitogen-activated protein kinase binding protein 1; plus strand). Cytogenetic location: 15q15.1.
Variant type: single nucleotide variant.
Coding change: c.1403C>T on transcript NM_014994.3 (MANE Select); coding-DNA position 1403, C replaced by T.
Protein change: p.Ser468Phe; replaces serine 468 with phenylalanine.
Molecular consequence: missense variant. On other transcripts: non-coding transcript variant (2).
Genome position (GRCh38, 1-based): chr15:41,815,709, C>T. VCF-style: chr15-41815709-C-T. GRCh37 (hg19) VCF-style: chr15-42107907-C-T.
Other names: c.1421C>T, p.Ser474Phe (NM_001128608.2); c.1403C>T, p.Ser468Phe (NM_001265611.2); short protein forms S468F, S474F.
Identifiers: ClinVar variation 4689987 (VCV004689987.1).